The following is an entry in ClinVar:

NM_001379210.1(SLC25A26):c.721G>A (p.Val241Ile)

Gene: SLC25A26 (solute carrier family 25 member 26; plus strand). Cytogenetic location: 3p14.1.
Variant type: single nucleotide variant.
Coding change: c.721G>A on transcript NM_001379210.1 (MANE Select); coding-DNA position 721, G replaced by A.
Protein change: p.Val241Ile; replaces valine 241 with isoleucine.
Molecular consequence: missense variant. On other transcripts: 3 prime UTR variant (2), non-coding transcript variant (15).
Genome position (GRCh38, 1-based): chr3:66,377,703, G>A. VCF-style: chr3-66377703-G-A. GRCh37 (hg19) VCF-style: chr3-66428127-G-A.
Other names: c.721G>A, p.Val241Ile (NM_001009937.1, NM_173471.4); c.457G>A, p.Val153Ile (NM_001164796.1, NM_001350993.1, NM_001400711.1); c.*36G>A (NM_001400705.1, NM_001400709.1); c.676G>A, p.Val226Ile (NM_001400707.1); c.412G>A, p.Val138Ile (NM_001400714.1); short protein forms V226I, V138I, V153I, V241I.
Identifiers: ClinVar variation 2068282 (VCV002068282.27), dbSNP rs557045057, ClinGen allele CA2483894.

ClinVar aggregate classification (germline): Benign/Likely benign. Review status: criteria provided, multiple submitters, no conflicts (2 of 4 stars). 3 submissions from 3 submitters: Benign (1); Likely benign (2). Last evaluated 2024-11-07.

Allele frequency attached by ClinVar (database versions not stated): TOPMed 0.00003; gnomAD 0.00025; ExAC 0.00101; 1000 Genomes Project 30x 0.00219; 1000 Genomes Project 0.00240.

Submissions (3):

Blueprint Genetics
Classification: Likely benign. Last evaluated: 2024-11-07. Review status: criteria provided, single submitter. Criteria: ACMG Guidelines, 2015. Collection method: clinical testing. Allele origin: germline.

CeGaT Center for Human Genetics Tuebingen
Classification: Likely benign. Last evaluated: 2024-05-01. Review status: criteria provided, single submitter. Criteria: CeGaT Center For Human Genetics Tuebingen Variant Classification Criteria Version 2. Collection method: clinical testing. Allele origin: germline. Affected: yes. Observed: 3 variant alleles.
Comment: SLC25A26: BP4, BS2

Labcorp Genetics (formerly Invitae), Labcorp
Classification: Benign. Last evaluated: 2023-04-19. Review status: criteria provided, single submitter. Criteria: Invitae Variant Classification Sherloc (09022015). Collection method: clinical testing. Allele origin: germline.